The following is an entry in ClinVar:

ClinVar aggregate classification (germline): Uncertain significance (3 of 4 stars; one submission).

Conditions:
CDH1-related diffuse gastric and lobular breast cancer syndrome. Also called: CDH1-related diffuse gastric and lobular breast cancer. Identifiers: MedGen CN311521, MONDO:0100488.

Submission:

Clingen Gastric Cancer Variant Curation Expert Panel
Classification: Uncertain significance for CDH1-related diffuse gastric and lobular breast cancer syndrome. Last evaluated: 2023-08-21. Review status: reviewed by expert panel. Criteria: ClinGen CDH1 ACMG Specifications V3.1. Collection method: curation. Allele origin: germline. Inheritance: Autosomal dominant inheritance.
Comment: The c.2161C>G (p.Leu721Val) variant is absent in the gnomAD cohort (PM2_Supporting). There are at least 3 in silico predictors in agreement that this variant affects splicing (PP3). Additionally, this variant has been reported in at least one family meeting HDGC clinical criteria (PS4_Supporting; internal laboratory contributor). In summary, the clinical significance of this variant is uncertain. ACMG/AMP criteria applied, as specified by the CDH1 Variant Curation Expert Panel (Variant Interpretation Guidelines Version 3.1): PM2_Supporting, PP3, PS4_Supporting.

NM_004360.5(CDH1):c.2161C>G (p.Leu721Val)

Gene: CDH1 (cadherin 1; plus strand). Cytogenetic location: 16q22.1.
Variant type: single nucleotide variant.
Coding change: c.2161C>G on transcript NM_004360.5 (MANE Select); coding-DNA position 2161, C replaced by G.
Protein change: p.Leu721Val; replaces leucine 721 with valine.
Molecular consequence: missense variant.
Genome position (GRCh38, 1-based): chr16:68,823,623, C>G. VCF-style: chr16-68823623-C-G. GRCh37 (hg19) VCF-style: chr16-68857526-C-G.
Other names: c.2161C>G (LRG_301t1); c.1978C>G, p.Leu660Val (NM_001317184.2); c.613C>G, p.Leu205Val (NM_001317185.2); c.196C>G, p.Leu66Val (NM_001317186.2); short protein forms L721V, L205V, L660V, L66V.
Identifiers: ClinVar variation 599652 (VCV000599652.3), dbSNP rs1567513504, ClinGen allele CA396467967.